The following is an entry in ClinVar:

ClinVar aggregate classification (germline): Uncertain significance. Review status: criteria provided, multiple submitters, no conflicts (2 of 4 stars). 2 submissions from 2 submitters: Uncertain significance (2). Last evaluated 2023-03-31.

Conditions:
Familial thoracic aortic aneurysm and aortic dissection (TAAD). Also called: Thoracic aortic aneurysms and dissections. Identifiers: Orphanet 91387, MedGen C4707243, MONDO:0019625.
Ehlers-Danlos syndrome, kyphoscoliotic type 1 (EDSKSCL1). Also called: PLOD1-Related Kyphoscoliotic Ehlers-Danlos Syndrome; EHLERS-DANLOS SYNDROME, OCULAR-SCOLIOTIC TYPE; EHLERS-DANLOS SYNDROME, TYPE VIA; Ehlers-Danlos syndrome, hydroxylysine-deficient. Identifiers: Orphanet 1900, MedGen C0268342, MONDO:0016002, OMIM 225400. Disease mechanism: loss of function.

Submissions (2):

Ambry Genetics
Classification: Uncertain significance for Familial thoracic aortic aneurysm and aortic dissection. Last evaluated: 2023-03-31. Review status: criteria provided, single submitter. Criteria: Ambry Variant Classification Scheme 2023. Collection method: clinical testing. Allele origin: germline.
Comment: The p.R205G variant (also known as c.613C>G), located in coding exon 6 of the PLOD1 gene, results from a C to G substitution at nucleotide position 613. The arginine at codon 205 is replaced by glycine, an amino acid with dissimilar properties. This amino acid position is conserved. In addition, the in silico prediction for this alteration is inconclusive. Since supporting evidence is limited at this time, the clinical significance of this alteration remains unclear.

Labcorp Genetics (formerly Invitae), Labcorp
Classification: Uncertain significance for Ehlers-Danlos syndrome, kyphoscoliotic type 1. Last evaluated: 2022-07-13. Review status: criteria provided, single submitter. Criteria: Invitae Variant Classification Sherloc (09022015). Collection method: clinical testing. Allele origin: germline.
Comment: This sequence change replaces arginine, which is basic and polar, with glycine, which is neutral and non-polar, at codon 205 of the PLOD1 protein (p.Arg205Gly). This variant is present in population databases (rs199990859, gnomAD 0.01%). This variant has not been reported in the literature in individuals affected with PLOD1-related conditions. Algorithms developed to predict the effect of missense changes on protein structure and function are either unavailable or do not agree on the potential impact of this missense change (SIFT: "Deleterious"; PolyPhen-2: "Benign"; Align-GVGD: "Class C45"). In summary, the available evidence is currently insufficient to determine the role of this variant in disease. Therefore, it has been classified as a Variant of Uncertain Significance.

NM_000302.4(PLOD1):c.613C>G (p.Arg205Gly)

Gene: PLOD1 (procollagen-lysine,2-oxoglutarate 5-dioxygenase 1; plus strand). Cytogenetic location: 1p36.22.
Variant type: single nucleotide variant.
Coding change: c.613C>G on transcript NM_000302.4 (MANE Select); coding-DNA position 613, C replaced by G.
Protein change: p.Arg205Gly; replaces arginine 205 with glycine.
Molecular consequence: missense variant.
Genome position (GRCh38, 1-based): chr1:11,954,863, C>G. VCF-style: chr1-11954863-C-G. GRCh37 (hg19) VCF-style: chr1-12014920-C-G.
Other names: c.613C>G (NM_000302.3); c.754C>G, p.Arg252Gly (NM_001316320.2); short protein forms R205G, R252G.
Identifiers: ClinVar variation 2016645 (VCV002016645.6), dbSNP rs199990859, ClinGen allele CA598008.
Genomic context (GRCh38, chr1:11,954,863, plus strand): 5'-TGCAGTCTGGTACCTTCTTTCCTGCAGGAGCAGATCAATATCACCCTGGACCACCGCTGC[C>G]GTATCTTCCAGAACCTGGATGGAGCCTTGGGTGAGCAGCCCCCACGGGGAGGGGTGGATC-3'
Protein context (NP_000293.2, residues 195-215): QINITLDHRC[Arg205Gly]IFQNLDGALD